The following is an entry in ClinVar:

ClinVar aggregate classification (germline): Uncertain significance. Review status: criteria provided, multiple submitters, no conflicts (2 of 4 stars). 2 submissions from 2 submitters: Uncertain significance (2). Last evaluated 2026-01-06.

Conditions:
Hereditary cancer-predisposing syndrome. Also called: Neoplastic Syndromes, Hereditary; Tumor predisposition; Hereditary neoplastic syndrome; Hereditary Cancer Syndrome. Identifiers: Orphanet 140162, MedGen C0027672, MeSH D009386, MONDO:0015356.
Tuberous sclerosis 2 (TSC2). Identifiers: Orphanet 805, MedGen C1860707, MONDO:0013199, OMIM 613254.

Submissions (2):

Ambry Genetics
Classification: Uncertain significance for Hereditary cancer-predisposing syndrome. Last evaluated: 2026-01-06. Review status: criteria provided, single submitter. Criteria: Ambry Variant Classification Scheme 2023. Collection method: clinical testing. Allele origin: germline.
Comment: The p.I215T variant (also known as c.644T>C), located in coding exon 6 of the TSC2 gene, results from a T to C substitution at nucleotide position 644. The isoleucine at codon 215 is replaced by threonine, an amino acid with similar properties. This amino acid position is highly conserved in available vertebrate species. In addition, this alteration is predicted to be deleterious by in silico analysis. Based on the available evidence, the clinical significance of this variant remains unclear.

Labcorp Genetics (formerly Invitae), Labcorp
Classification: Uncertain significance for Tuberous sclerosis 2. Last evaluated: 2025-01-10. Review status: criteria provided, single submitter. Criteria: Invitae Variant Classification Sherloc (09022015). Collection method: clinical testing. Allele origin: germline.
Comment: This sequence change replaces isoleucine, which is neutral and non-polar, with threonine, which is neutral and polar, at codon 215 of the TSC2 protein (p.Ile215Thr). This variant is not present in population databases (gnomAD no frequency). This variant has not been reported in the literature in individuals affected with TSC2-related conditions. ClinVar contains an entry for this variant (Variation ID: 468170). Invitae Evidence Modeling of protein sequence and biophysical properties (such as structural, functional, and spatial information, amino acid conservation, physicochemical variation, residue mobility, and thermodynamic stability) indicates that this missense variant is not expected to disrupt TSC2 protein function with a negative predictive value of 95%. In summary, the available evidence is currently insufficient to determine the role of this variant in disease. Therefore, it has been classified as a Variant of Uncertain Significance.

NM_000548.5(TSC2):c.644T>C (p.Ile215Thr)

Gene: TSC2 (TSC complex subunit 2; plus strand). Cytogenetic location: 16p13.3.
Variant type: single nucleotide variant.
Coding change: c.644T>C on transcript NM_000548.5 (MANE Select); coding-DNA position 644, T replaced by C.
Protein change: p.Ile215Thr; replaces isoleucine 215 with threonine.
Molecular consequence: missense variant.
Genome position (GRCh38, 1-based): chr16:2,056,240, T>C. VCF-style: chr16-2056240-T-C. GRCh37 (hg19) VCF-style: chr16-2106241-T-C.
Other names: c.644T>C, p.Ile215Thr (NM_001077183.3, NM_001114382.3, NM_001363528.2 and 3 more transcripts); c.533T>C, p.Ile178Thr (NM_001318827.2); c.497T>C, p.Ile166Thr (NM_001318829.2); c.44T>C, p.Ile15Thr (NM_001318831.2); c.677T>C, p.Ile226Thr (NM_001318832.2); short protein forms I215T, I166T, I178T, I15T, I226T.
Identifiers: ClinVar variation 468170 (VCV000468170.11), dbSNP rs1555498571, ClinGen allele CA394311067.